The following is an entry in ClinVar:

ClinVar aggregate classification (germline): Likely pathogenic (1 of 4 stars; one submission).

Allele frequency attached by ClinVar (database versions not stated): TOPMed below 0.00001.

Submission:

GeneDx
Classification: Likely pathogenic. Last evaluated: 2017-11-30. Review status: criteria provided, single submitter. Criteria: GeneDx Variant Classification (06012015). Collection method: clinical testing. Allele origin: germline. Affected: yes.
Comment: The c.399+2T>C variant in the COL13A1 gene has not been reported previously as a pathogenic variant nor as a benign variant, to our knowledge. This splice site variant destroys the canonical splice donor site in intron 4. It is predicted to cause abnormal gene splicing, either leading to an abnormal message that is subject to nonsense-mediated mRNA decay, or to an abnormal protein product if the message is used for protein translation. The c.399+2T>C variant is not observed in large population cohorts (Lek et al., 2016). We interpret c.399+2T>C as a likely pathogenic variant.

NM_001368882.1(COL13A1):c.399+2T>C

Gene: COL13A1 (collagen type XIII alpha 1 chain; plus strand). Cytogenetic location: 10q22.1.
Variant type: single nucleotide variant.
Coding change: c.399+2T>C on transcript NM_001368882.1 (MANE Select); the canonical splice donor site of the intron after coding-DNA position 399, T replaced by C.
Molecular consequence: splice donor variant. On other transcripts: intron variant (4).
Genome position (GRCh38, 1-based): chr10:69,872,212, T>C. VCF-style: chr10-69872212-T-C. GRCh37 (hg19) VCF-style: chr10-71631968-T-C.
Other names: c.399+2T>C (NM_001320951.2, NM_001368884.1, NM_001130103.2 and 7 more transcripts); c.-255+2T>C (NM_001368886.1); c.372+4407T>C (NM_001368895.1, NM_001368898.1, NM_080798.4 and 1 more transcripts).
Identifiers: ClinVar variation 489155 (VCV000489155.2), dbSNP rs375471249, ClinGen allele CA209269468.